The following is an entry in ClinVar:

NM_014846.4(WASHC5):c.1850G>T (p.Gly617Val)

Gene: WASHC5 (WASH complex subunit 5; minus strand). Cytogenetic location: 8q24.13.
Variant type: single nucleotide variant.
Coding change: c.1850G>T on transcript NM_014846.4 (MANE Select); coding-DNA position 1850, G replaced by T.
Protein change: p.Gly617Val; replaces glycine 617 with valine.
Molecular consequence: missense variant.
Genome position (GRCh38, 1-based): chr8:125,057,581, C>A on the plus strand (G>T on the coding strand, the complement: WASHC5 is on the minus strand). VCF-style: chr8-125057581-C-A. GRCh37 (hg19) VCF-style: chr8-126069823-C-A.
Other names: c.1406G>T, p.Gly469Val (NM_001330609.2); short protein forms G469V, G617V.
Identifiers: ClinVar variation 2932359 (VCV002932359.4), dbSNP rs1258459680, ClinGen allele CA372191286.

ClinVar aggregate classification (germline): Uncertain significance. Review status: criteria provided, multiple submitters, no conflicts (2 of 4 stars). 2 submissions from 2 submitters: Uncertain significance (2). Last evaluated 2025-12-05.

Conditions:
Hereditary spastic paraplegia 8 (SPG8). Also called: SPASTIC PARAPLEGIA 8, AUTOSOMAL DOMINANT. Identifiers: Orphanet 100989, MedGen C1863704, MONDO:0011339, OMIM 603563.
Ritscher-Schinzel syndrome. Also called: CRANIOCEREBELLOCARDIAC DYSPLASIA. Identifiers: Orphanet 7, MedGen C0796137, MONDO:0019078.

gnomAD v4.1: 1 of 1,611,862 alleles (0.000062%); highest among the groups gnomAD compares: Admixed American, 0.0017%; no homozygotes.

Submissions (2):

3billion
Classification: Uncertain significance for Hereditary spastic paraplegia 8. Last evaluated: 2025-12-05. Review status: criteria provided, single submitter. Criteria: ACMG Guidelines, 2015. Collection method: clinical testing. Allele origin: germline. Affected: yes.
Comment: The variant is observed at an extremely low frequency in the gnomAD v4.1.0 dataset (total allele frequency: <0.001%). Predicted Consequence/Location: Missense variant In silico tool prediction suggests damaging effect of the variant on gene or gene product [REVEL: 0.79 (>=0.6, sensitivity 0.68 and specificity 0.92)]. The variant has been reported as of uncertain significance (ClinVar ID: VCV002932359; 3billion dataset). Therefore, this variant is classified as VUS according to the recommendation of ACMG/AMP guideline.

Labcorp Genetics (formerly Invitae), Labcorp
Classification: Uncertain significance for Ritscher-Schinzel syndrome; Hereditary spastic paraplegia 8. Last evaluated: 2023-05-16. Review status: criteria provided, single submitter. Criteria: Invitae Variant Classification Sherloc (09022015). Collection method: clinical testing. Allele origin: germline.
Comment: In summary, the available evidence is currently insufficient to determine the role of this variant in disease. Therefore, it has been classified as a Variant of Uncertain Significance. Algorithms developed to predict the effect of sequence changes on RNA splicing suggest that this variant may disrupt the consensus splice site. Advanced modeling of protein sequence and biophysical properties (such as structural, functional, and spatial information, amino acid conservation, physicochemical variation, residue mobility, and thermodynamic stability) performed at Invitae indicates that this missense variant is not expected to disrupt WASHC5 protein function. This variant has not been reported in the literature in individuals affected with WASHC5-related conditions. This variant is present in population databases (no rsID available, gnomAD 0.003%). This sequence change replaces glycine, which is neutral and non-polar, with valine, which is neutral and non-polar, at codon 617 of the WASHC5 protein (p.Gly617Val).